The following is an entry in ClinVar:

ClinVar aggregate classification (germline): Uncertain significance (1 of 4 stars; one submission).

Conditions:
Inborn genetic diseases. Identifiers: MedGen C0950123, MeSH D030342.

Submission:

Ambry Genetics
Classification: Uncertain significance for Inborn genetic diseases. Last evaluated: 2022-11-10. Review status: criteria provided, single submitter. Criteria: Ambry Variant Classification Scheme 2023. Collection method: clinical testing. Allele origin: germline.
Comment: The c.6220G>A (p.D2074N) alteration is located in exon 31 (coding exon 31) of the CHD8 gene. This alteration results from a G to A substitution at nucleotide position 6220, causing the aspartic acid (D) at amino acid position 2074 to be replaced by an asparagine (N). This variant was not reported in population-based cohorts in the Genome Aggregation Database (gnomAD). This amino acid position is highly conserved in available vertebrate species. This alteration is predicted to be tolerated by in silico analysis. Based on insufficient or conflicting evidence, the clinical significance of this alteration remains unclear.

NM_001170629.2(CHD8):c.6220G>A (p.Asp2074Asn)

Gene: CHD8 (chromodomain helicase DNA binding protein 8; minus strand). Cytogenetic location: 14q11.2.
Variant type: single nucleotide variant.
Coding change: c.6220G>A on transcript NM_001170629.2 (MANE Select); coding-DNA position 6220, G replaced by A.
Protein change: p.Asp2074Asn; replaces aspartic acid 2074 with asparagine.
Molecular consequence: missense variant.
Genome position (GRCh38, 1-based): chr14:21,393,575, C>T on the plus strand (G>A on the coding strand, the complement: CHD8 is on the minus strand). VCF-style: chr14-21393575-C-T. GRCh37 (hg19) VCF-style: chr14-21861734-C-T.
Other names: c.5383G>A, p.Asp1795Asn (NM_020920.4); short protein forms D2074N, D1795N.
Identifiers: ClinVar variation 2314598 (VCV002314598.2), dbSNP rs1048343213, ClinGen allele CA257593021.